The following is an entry in ClinVar:

NM_001297.5(CNGB1):c.2481C>T (p.Gly827=)

Gene: CNGB1 (cyclic nucleotide gated channel subunit beta 1; minus strand). Cytogenetic location: 16q21.
Variant type: single nucleotide variant.
Coding change: c.2481C>T on transcript NM_001297.5 (MANE Select); coding-DNA position 2481, C replaced by T.
Protein change: p.Gly827=; no amino-acid change (glycine 827 retained).
Molecular consequence: synonymous variant.
Genome position (GRCh38, 1-based): chr16:57,911,764, G>A on the plus strand (C>T on the coding strand, the complement: CNGB1 is on the minus strand). VCF-style: chr16-57911764-G-A. GRCh37 (hg19) VCF-style: chr16-57945668-G-A.
Other names: c.2463C>T, p.Gly821= (NM_001286130.2).
Identifiers: ClinVar variation 320077 (VCV000320077.16), dbSNP rs77399988, ClinGen allele CA8082997.
Genomic context (GRCh38, chr16:57,911,764, plus strand): 5'-AACAGGAAGGTCACCCAGGCATGGCCCCAGGGGGAGGACTGTGGCTCACCTGTTTCCCAC[G>A]CCATCGTAAACCCAGTGAGTGGAGCCGAGGCCCTGATAGGCCGATGCCCAGTAATAAAGA-3'
Protein context (NP_001288.3, residues 817-837): GLGSTHWVYD[Gly827=]VGNSYIRCYY

ClinVar aggregate classification (germline): Benign/Likely benign. Review status: criteria provided, multiple submitters, no conflicts (2 of 4 stars). 4 submissions from 4 submitters: Benign (2); Likely benign (2). Last evaluated 2026-02-04.

Conditions:
Retinitis pigmentosa (RP). Identifiers: Orphanet 791, MedGen C0035334, MeSH D012174, MONDO:0019200, OMIM 268000. Inheritance: Autosomal dominant, autosomal recessive and X linked inheritance.
Retinal dystrophy. Also called: Inherited retinal dystrophy. Identifiers: Orphanet 71862, MedGen C0854723, MeSH D058499, MONDO:0019118, HP:0000556.

Allele frequency attached by ClinVar (database versions not stated): ESP Exome Variant Server 0.00417; gnomAD 0.00895 and 0.01073; TOPMed 0.01190; ExAC 0.02168; gnomAD exomes 0.02362; 1000 Genomes Project 30x 0.02639; 1000 Genomes Project 0.02676.
gnomAD v4.1: 17,975 of 1,613,898 alleles (1.1%); highest among the groups gnomAD compares: East Asian, 6.5%; 374 homozygotes.

Submissions (11):

Labcorp Genetics (formerly Invitae), Labcorp
Classification: Benign. Last evaluated: 2026-02-04. Review status: criteria provided, single submitter. Criteria: Invitae Variant Classification Sherloc (09022015). Collection method: clinical testing. Allele origin: germline.

Dept Of Ophthalmology, Nagoya University
Classification: Benign for Retinal dystrophy. Last evaluated: 2023-10-01. Review status: criteria provided, single submitter. Criteria: Submitter's publication. Collection method: research. Allele origin: germline. Affected: yes.

Illumina Laboratory Services, Illumina
Classification: Likely benign for Retinitis pigmentosa. Last evaluated: 2018-01-13. Review status: criteria provided, single submitter. Criteria: ICSL Variant Classification Criteria 13 December 2019. Collection method: clinical testing. Allele origin: germline.
Comment: This variant was observed in the ICSL laboratory as part of a predisposition screen in an ostensibly healthy population. It had not been previously curated by ICSL or reported in the Human Gene Mutation Database (HGMD: prior to June 1st, 2018), and was therefore a candidate for classification through an automated scoring system. Utilizing variant allele frequency, disease prevalence and penetrance estimates, and inheritance mode, an automated score was calculated to assess if this variant is too frequent to cause the disease. Based on the score and internal cut-off values, a variant classified as likely benign is not then subjected to further curation. The score for this variant resulted in a classification of likely benign for this disease.

Breakthrough Genomics
Classification: Likely benign. Review status: criteria provided, single submitter. Criteria: ACMG Guidelines, 2015. Collection method: not provided. Allele origin: germline. Inheritance: Autosomal recessive inheritance. Affected: yes.

Dr. Peter K. Rogan Lab, Western University
No classification provided (evidence only). Condition: Lung cancer. Review status: no classification provided. Collection method: in vitro. Allele origin: not applicable. Functional consequence: retained intron. Not counted in ClinVar's aggregate classification.

Dr. Peter K. Rogan Lab, Western University
No classification provided (evidence only). Condition: Lung cancer. Review status: no classification provided. Collection method: in vitro. Allele origin: not applicable. Functional consequence: retained intron. Not counted in ClinVar's aggregate classification.

Dr. Peter K. Rogan Lab, Western University
No classification provided (evidence only). Condition: Colon adenocarcinoma. Review status: no classification provided. Collection method: in vitro. Allele origin: not applicable. Functional consequence: retained intron. Not counted in ClinVar's aggregate classification.

Dr. Peter K. Rogan Lab, Western University
No classification provided (evidence only). Condition: Ovarian serous cystadenocarcinoma. Review status: no classification provided. Collection method: in vitro. Allele origin: not applicable. Functional consequence: retained intron. Not counted in ClinVar's aggregate classification.

Dr. Peter K. Rogan Lab, Western University
No classification provided (evidence only). Condition: Gastric cancer. Review status: no classification provided. Collection method: in vitro. Allele origin: not applicable. Functional consequence: retained intron. Not counted in ClinVar's aggregate classification.

Dr. Peter K. Rogan Lab, Western University
No classification provided (evidence only). Condition: Gastric cancer. Review status: no classification provided. Collection method: in vitro. Allele origin: not applicable. Functional consequence: retained intron. Not counted in ClinVar's aggregate classification.

Dr. Peter K. Rogan Lab, Western University
No classification provided (evidence only). Condition: Malignant tumor of esophagus. Review status: no classification provided. Collection method: in vitro. Allele origin: not applicable. Functional consequence: retained intron. Not counted in ClinVar's aggregate classification.